The following is an entry in ClinVar:

NM_000064.4(C3):c.1873A>T (p.Ile625Phe)

Gene: C3 (complement C3; minus strand). Cytogenetic location: 19p13.3.
Variant type: single nucleotide variant.
Coding change: c.1873A>T on transcript NM_000064.4 (MANE Select); coding-DNA position 1873, A replaced by T.
Protein change: p.Ile625Phe; replaces isoleucine 625 with phenylalanine.
Molecular consequence: missense variant.
Genome position (GRCh38, 1-based): chr19:6,707,902, T>A on the plus strand (A>T on the coding strand, the complement: C3 is on the minus strand). VCF-style: chr19-6707902-T-A. GRCh37 (hg19) VCF-style: chr19-6707913-T-A.
Other names: c.1873A>T (LRG_27t1); short protein forms I625F.
Identifiers: ClinVar variation 330315 (VCV000330315.16), dbSNP rs144432231, ClinGen allele CA9129285.
Genomic context (GRCh38, chr19:6,707,902, plus strand): 5'-TCAGCCCTGCGTCGGAGAAGACACCGGCGTAATCCTTCCCACTGCCCGGGGTGCAGCCGA[T>A]GTCTGCCTTCTCCACCACGTCCCAGATCTGCGGGGGGCATAGGGGTGGCGGGACGCAGGG-3'
Protein context (NP_000055.2, residues 615-635): KIWDVVEKAD[Ile625Phe]GCTPGSGKDY

ClinVar aggregate classification (germline): Conflicting classifications of pathogenicity. Review status: criteria provided, conflicting classifications (1 of 4 stars). 6 submissions from 4 submitters: Uncertain significance (3); Benign (1); Likely benign (1). 1 of the submissions does not count toward it. Last evaluated 2026-02-01.

Conditions:
Age related macular degeneration 9. Identifiers: MedGen C1969651, MONDO:0012659, OMIM 611378.
Complement component 3 deficiency. Identifiers: Orphanet 280133, MedGen C3151071, MONDO:0013417, OMIM 613779.
Atypical hemolytic-uremic syndrome with C3 anomaly. Also called: AHUS, SUSCEPTIBILITY TO, 5. Identifiers: Orphanet 2134, MedGen C2752037, MONDO:0013043, OMIM 612925.

Allele frequency attached by ClinVar (database versions not stated): TOPMed 0.00008; ESP Exome Variant Server 0.00015; gnomAD 0.00021 and 0.00023; gnomAD exomes 0.00043; ExAC 0.00046.
gnomAD v4.1: 408 of 1,613,874 alleles (0.025%); highest among the groups gnomAD compares: Non-Finnish European, 0.019%; 1 homozygote.

Submissions (6):

Labcorp Genetics (formerly Invitae), Labcorp
Classification: Likely benign. Last evaluated: 2026-02-01. Review status: criteria provided, single submitter. Criteria: Invitae Variant Classification Sherloc (09022015). Collection method: clinical testing. Allele origin: germline.

Genetic Services Laboratory, University of Chicago
Classification: Uncertain significance. Last evaluated: 2021-08-03. Review status: criteria provided, single submitter. Criteria: ACMG Guidelines, 2015. Collection method: clinical testing. Allele origin: germline. Affected: no.
Comment: This sequence change does not appear to have been previously described in patients with C3-related disorders and has been described in the gnomAD database with a low population frequency of 0.28% in the Finnish European subpopulation (dbSNP rs144432231). The p.Ile625Phe change affects a highly conserved amino acid residue located in a domain of the C3 protein that is not known to be functional. The p.Ile625Phe substitution appears to be benign using several in-silico pathogenicity prediction tools (SIFT, PolyPhen2, Align GVGD, REVEL). Due to these contrasting evidences and the lack of functional studies, the clinical significance of the p.Ile625Phe change remains unknown at this time.

Illumina Laboratory Services, Illumina
Classification: Uncertain significance for Age related macular degeneration 9. Last evaluated: 2018-01-13. Review status: criteria provided, single submitter. Criteria: ICSL Variant Classification Criteria 13 December 2019. Collection method: clinical testing. Allele origin: germline.

Illumina Laboratory Services, Illumina
Classification: Benign for Atypical hemolytic-uremic syndrome with C3 anomaly. Last evaluated: 2018-01-13. Review status: criteria provided, single submitter. Criteria: ICSL Variant Classification Criteria 13 December 2019. Collection method: clinical testing. Allele origin: germline.
Comment: This variant was observed in the ICSL laboratory as part of a predisposition screen in an ostensibly healthy population. It had not been previously curated by ICSL or reported in the Human Gene Mutation Database (HGMD: prior to June 1st, 2018), and was therefore a candidate for classification through an automated scoring system. Utilizing variant allele frequency, disease prevalence and penetrance estimates, and inheritance mode, an automated score was calculated to assess if this variant is too frequent to cause the disease. Based on the score and internal cut-off values, a variant classified as benign is not then subjected to further curation. The score for this variant resulted in a classification of benign for this disease.

Illumina Laboratory Services, Illumina
Classification: Uncertain significance for Complement component 3 deficiency. Last evaluated: 2018-01-13. Review status: criteria provided, single submitter. Criteria: ICSL Variant Classification Criteria 13 December 2019. Collection method: clinical testing. Allele origin: germline.

Bioscientia Institut fuer Medizinische Diagnostik GmbH, Sonic Healthcare
Classification: Likely benign for Complement component 3 deficiency. Last evaluated: 2019-10-04. Review status: no assertion criteria provided. Collection method: clinical testing. Allele origin: germline. Affected: yes. Not counted in ClinVar's aggregate classification.